The following is an entry in ClinVar:

ClinVar aggregate classification (germline): Likely benign (0 of 4 stars; one submission).

Conditions:
KATNAL2-related disorder. Also called: KATNAL2-related condition.

Allele frequency attached by ClinVar (database versions not stated): 1000 Genomes Project 0.00100; 1000 Genomes Project 30x 0.00109; ESP Exome Variant Server 0.00154.
gnomAD v4.1: 395 of 1,460,550 alleles (0.027%); highest among the groups gnomAD compares: African/African-American, 0.39%; 2 homozygotes.

Submission:

PreventionGenetics, part of Exact Sciences
Classification: Likely benign for KATNAL2-related condition. Last evaluated: 2024-03-05. Review status: no assertion criteria provided. Collection method: clinical testing. Allele origin: germline.
Comment: This variant is classified as likely benign based on ACMG/AMP sequence variant interpretation guidelines (Richards et al. 2015 PMID: 25741868, with internal and published modifications).

NM_001387690.1(KATNAL2):c.825+8C>T

Gene: KATNAL2 (katanin catalytic subunit A1 like 2; plus strand). Cytogenetic location: 18q21.1.
Variant type: single nucleotide variant.
Coding change: c.825+8C>T on transcript NM_001387690.1 (MANE Select); 8 bases into the intron after coding-DNA position 825, C replaced by T.
Molecular consequence: intron variant.
Genome position (GRCh38, 1-based): chr18:47,067,127, C>T. VCF-style: chr18-47067127-C-T. GRCh37 (hg19) VCF-style: chr18-44593498-C-T.
Other names: c.394-2093C>T (NM_001353904.1, NM_001353909.1, NM_001353908.1); c.903+8C>T (NM_001353899.1); c.900+8C>T (NM_001353900.1); c.492+8C>T (NM_001353903.1, NM_001353907.1, NM_001353905.1 and 1 more transcripts); c.825+8C>T (NM_001353901.1, NM_001367621.1); c.805-2093C>T (NM_001353902.1); c.609+8C>T (NM_031303.3).
Identifiers: ClinVar variation 3042341 (VCV003042341.2), dbSNP rs202080899, ClinGen allele CA8955098.